The following is an entry in ClinVar:

ClinVar aggregate classification (germline): Benign/Likely benign. Review status: criteria provided, multiple submitters, no conflicts (2 of 4 stars). 7 submissions from 7 submitters: Benign (2); Likely benign (4). 1 of the submissions does not count toward it. Last evaluated 2026-06-01.

Conditions:
CREBBP-related disorder. Also called: CREBBP-related condition; CREBBP-related disorders.
Rubinstein-Taybi syndrome (RSTS). Identifiers: Orphanet 783, MedGen C0035934, MONDO:0019188.
Inborn genetic diseases. Identifiers: MedGen C0950123, MeSH D030342.

Allele frequency attached by ClinVar (database versions not stated): 1000 Genomes Project 0.00040; 1000 Genomes Project 30x 0.00047; ESP Exome Variant Server 0.00062; gnomAD exomes 0.00066 and 0.00088; ExAC 0.00073; gnomAD 0.00092 and 0.00103; TOPMed 0.00103.
gnomAD v4.1: 1,438 of 1,614,156 alleles (0.089%); highest among the groups gnomAD compares: African/African-American, 0.13%; 1 homozygote.

Submissions (7):

CeGaT Center for Human Genetics Tuebingen
Classification: Likely benign. Last evaluated: 2026-06-01. Review status: criteria provided, single submitter. Criteria: CeGaT Center For Human Genetics Tuebingen Variant Classification Criteria Version 2. Collection method: clinical testing. Allele origin: germline. Affected: yes. Observed: 8 variant alleles.
Comment: CREBBP: BP4, BP7, BS1

Labcorp Genetics (formerly Invitae), Labcorp
Classification: Benign for Rubinstein-Taybi syndrome. Last evaluated: 2026-01-04. Review status: criteria provided, single submitter. Criteria: Invitae Variant Classification Sherloc (09022015). Collection method: clinical testing. Allele origin: germline.

Blueprint Genetics
Classification: Likely benign. Last evaluated: 2024-11-13. Review status: criteria provided, single submitter. Criteria: ACMG Guidelines, 2015. Collection method: clinical testing. Allele origin: germline.

GeneDx
Classification: Benign. Last evaluated: 2020-02-14. Review status: criteria provided, single submitter. Criteria: GeneDx Variant Classification Process June 2021. Collection method: clinical testing. Allele origin: germline. Affected: yes.

Ambry Genetics
Classification: Likely benign for Inborn genetic diseases. Last evaluated: 2016-05-12. Review status: criteria provided, single submitter. Criteria: Ambry Variant Classification Scheme 2023. Collection method: clinical testing. Allele origin: germline.

Eurofins Ntd Llc (ga)
Classification: Likely benign. Last evaluated: 2014-01-15. Review status: criteria provided, single submitter. Criteria: EGL Classification Definitions 2015. Collection method: clinical testing. Allele origin: germline. Observed: 3 variant alleles, 2 heterozygotes, 1 homozygote.

PreventionGenetics, part of Exact Sciences
Classification: Likely benign for CREBBP-related condition. Last evaluated: 2021-05-24. Review status: no assertion criteria provided. Collection method: clinical testing. Allele origin: germline. Not counted in ClinVar's aggregate classification.
Comment: This variant is classified as likely benign based on ACMG/AMP sequence variant interpretation guidelines (Richards et al. 2015 PMID: 25741868, with internal and published modifications).

NM_004380.3(CREBBP):c.7302G>A (p.Thr2434=)

Gene: CREBBP (CREB binding lysine acetyltransferase; minus strand). Cytogenetic location: 16p13.3.
Variant type: single nucleotide variant.
Coding change: c.7302G>A on transcript NM_004380.3 (MANE Select); coding-DNA position 7302, G replaced by A.
Protein change: p.Thr2434=; no amino-acid change (threonine 2434 retained).
Molecular consequence: synonymous variant.
Genome position (GRCh38, 1-based): chr16:3,727,745, C>T on the plus strand (G>A on the coding strand, the complement: CREBBP is on the minus strand). VCF-style: chr16-3727745-C-T. GRCh37 (hg19) VCF-style: chr16-3777746-C-T.
Other names: c.7188G>A, p.Thr2396= (NM_001079846.1).
Identifiers: ClinVar variation 166960 (VCV000166960.47), dbSNP rs144609433, ClinGen allele CA179936.